The following is an entry in ClinVar:

NM_005670.4(EPM2A):c.759delinsCATGCA (p.Ala254fs)

Gene: EPM2A (EPM2A glucan phosphatase, laforin; minus strand). Cytogenetic location: 6q24.3.
Variant type: Indel.
Coding change: c.759delinsCATGCA on transcript NM_005670.4 (MANE Select); coding-DNA position 759, T replaced by CATGCA.
Protein change: p.Ala254fs; shifts the reading frame from alanine 254.
Molecular consequence: frameshift variant. On other transcripts: non-coding transcript variant (1).
Genome position (GRCh38, 1-based): chr6:145,627,653, A replaced by TGCATG on the plus strand (T replaced by CATGCA on the coding strand, the reverse complement: EPM2A is on the minus strand). VCF-style: chr6-145627653-A-TGCATG. GRCh37 (hg19) VCF-style: chr6-145948789-A-TGCATG.
Other names: c.759delinsCATGCA (NM_005670.3); c.759delinsCATGCA, p.Ala254fs (NM_001018041.2); c.517delinsCATGCA, p.Cys173fs (NM_001360057.2); c.345delinsCATGCA, p.Ala116fs (NM_001360064.2, NM_001360071.2, NM_001368131.1); c.297delinsCATGCA, p.Ala100fs (NM_001368129.2, NM_001368132.1); short protein forms A116fs, A100fs, C173fs, A254fs.
Identifiers: ClinVar variation 429342 (VCV000429342.4), dbSNP rs1131691331, ClinGen allele CA645369324.

ClinVar aggregate classification (germline): Likely pathogenic. Review status: criteria provided, multiple submitters, no conflicts (2 of 4 stars). 2 submissions from 2 submitters: Likely pathogenic (2). Last evaluated 2026-08-13.

Conditions:
Lafora disease. Also called: Epilepsy progressive myoclonic 2; Progressive Myoclonus Epilepsy, Lafora Type. Identifiers: Orphanet 501, MedGen C0751783, MONDO:0009697.

Submissions (2):

GeneDx
Classification: Likely pathogenic. Last evaluated: 2026-08-13. Review status: criteria provided, single submitter. Criteria: GeneDx Variant Classification Process June 2021. Collection method: clinical testing. Allele origin: germline.
Comment: Frameshift variant predicted to result in abnormal protein length as the last 78 amino acids are replaced with 32 different amino acids, and other similar variants have been reported in HGMD; Not observed at significant frequency in large population cohorts (gnomAD); This variant is associated with the following publications: (PMID: 14722920, 9931343, 32587944)

Fulgent Genetics
Classification: Likely pathogenic for Myoclonic epilepsy of Lafora 1. Last evaluated: 2022-03-30. Review status: criteria provided, single submitter. Criteria: ACMG Guidelines, 2015. Collection method: clinical testing. Allele origin: unknown.